The following is an entry in ClinVar:

NM_004959.5(NR5A1):c.52_53delinsTT (p.Asp18Phe)

Gene: NR5A1 (nuclear receptor subfamily 5 group A member 1; minus strand). Cytogenetic location: 9q33.3.
Variant type: Indel.
Coding change: c.52_53delinsTT on transcript NM_004959.5 (MANE Select); coding-DNA positions 52 to 53, GA replaced by TT.
Protein change: p.Asp18Phe; replaces aspartic acid 18 with phenylalanine.
Molecular consequence: missense variant.
Genome position (GRCh38, 1-based): chr9:124,503,343-124,503,344, TC replaced by AA on the plus strand (GA replaced by TT on the coding strand, the reverse complement: NR5A1 is on the minus strand). VCF-style: chr9-124503343-TC-AA. GRCh37 (hg19) VCF-style: chr9-127265622-TC-AA.
Other names: short protein forms D18F.
Identifiers: ClinVar variation 3759198 (VCV003759198.2).

ClinVar aggregate classification (germline): Uncertain significance (1 of 4 stars; one submission).

Conditions:
46 XY differences of sex development. Also called: 46, XY disorder of sex development (DSD); 46,XY disorder of sex development. Identifiers: Orphanet 98085, MedGen C2751824, MONDO:0020040.
Oligosynaptic infertility (SPGF1). Also called: SPERMATOGENIC FAILURE 1; OLIGOCHIASMATIC INFERTILITY. Identifiers: MedGen C0403810, MONDO:0009776, OMIM 258150.

Submission:

Labcorp Genetics (formerly Invitae), Labcorp
Classification: Uncertain significance for 46 XY differences of sex development; Oligosynaptic infertility. Last evaluated: 2024-09-22. Review status: criteria provided, single submitter. Criteria: Invitae Variant Classification Sherloc (09022015). Collection method: clinical testing. Allele origin: germline.
Comment: This sequence change replaces aspartic acid, which is acidic and polar, with phenylalanine, which is neutral and non-polar, at codon 18 of the NR5A1 protein (p.Asp18Phe). Information on the frequency of this variant in the gnomAD database is not available, as this variant may be reported differently in the database. This variant has not been reported in the literature in individuals affected with NR5A1-related conditions. An algorithm developed to predict the effect of missense changes on protein structure and function (PolyPhen-2) suggests that this variant is likely to be disruptive. In summary, the available evidence is currently insufficient to determine the role of this variant in disease. Therefore, it has been classified as a Variant of Uncertain Significance.